The following is an entry in ClinVar:

NM_001972.4(ELANE):c.721T>G (p.Trp241Gly)

Gene: ELANE (elastase, neutrophil expressed; plus strand). Cytogenetic location: 19p13.3.
Variant type: single nucleotide variant.
Coding change: c.721T>G on transcript NM_001972.4 (MANE Select); coding-DNA position 721, T replaced by G.
Protein change: p.Trp241Gly; replaces tryptophan 241 with glycine.
Molecular consequence: missense variant.
Genome position (GRCh38, 1-based): chr19:856,081, T>G. VCF-style: chr19-856081-T-G. GRCh37 (hg19) VCF-style: chr19-856081-T-G.
Other names: short protein forms W241G.
Identifiers: ClinVar variation 3759510 (VCV003759510.2).

ClinVar aggregate classification (germline): Uncertain significance (1 of 4 stars; one submission).

Conditions:
Neutropenia, severe congenital, 1, autosomal dominant. Identifiers: MedGen C1859966, MONDO:0042490, OMIM 202700.
Cyclical neutropenia. Also called: Cyclic hematopoiesis; Cyclic Neutropenia. Identifiers: Orphanet 2686, MedGen C0221023, MONDO:0008090, OMIM 162800, HP:0040289. Disease mechanism: loss of function.

gnomAD v4.1: 1 of 1,613,384 alleles (0.000062%); highest among the groups gnomAD compares: Non-Finnish European, 0.000085%; no homozygotes.

Submission:

Labcorp Genetics (formerly Invitae), Labcorp
Classification: Uncertain significance for Neutropenia, severe congenital, 1, autosomal dominant; Cyclical neutropenia. Last evaluated: 2024-06-04. Review status: criteria provided, single submitter. Criteria: Invitae Variant Classification Sherloc (09022015). Collection method: clinical testing. Allele origin: germline.
Comment: This sequence change replaces tryptophan, which is neutral and slightly polar, with glycine, which is neutral and non-polar, at codon 241 of the ELANE protein (p.Trp241Gly). This variant is not present in population databases (gnomAD no frequency). This missense change has been observed in individual(s) with cyclic neutropenia (PMID: 23463630). Advanced modeling of protein sequence and biophysical properties (such as structural, functional, and spatial information, amino acid conservation, physicochemical variation, residue mobility, and thermodynamic stability) performed at Invitae indicates that this missense variant is expected to disrupt ELANE protein function with a positive predictive value of 80%. This variant disrupts the p.Trp241 amino acid residue in ELANE. Other variant(s) that disrupt this residue have been observed in individuals with ELANE-related conditions (PMID: 23463630, 34340247), which suggests that this may be a clinically significant amino acid residue. In summary, the available evidence is currently insufficient to determine the role of this variant in disease. Therefore, it has been classified as a Variant of Uncertain Significance.

Literature cited by the submitters: PubMed 23463630; PubMed 34340247.